The following is an entry in ClinVar:

ClinVar aggregate classification (germline): Uncertain significance (1 of 4 stars; one submission).

Allele frequency attached by ClinVar (database versions not stated): gnomAD exomes below 0.00001; TOPMed 0.00001.

Submission:

GeneDx
Classification: Uncertain significance. Last evaluated: 2025-07-03. Review status: criteria provided, single submitter. Criteria: GeneDx Variant Classification Process June 2021. Collection method: clinical testing. Allele origin: germline. Affected: yes.
Comment: Not observed at significant frequency in large population cohorts (gnomAD); In silico analysis supports that this missense variant has a deleterious effect on protein structure/function; Has not been previously published as pathogenic or benign to our knowledge

NM_002742.3(PRKD1):c.433C>T (p.Arg145Cys)

Gene: PRKD1 (protein kinase D1; minus strand). Cytogenetic location: 14q12.
Variant type: single nucleotide variant.
Coding change: c.433C>T on transcript NM_002742.3 (MANE Select); coding-DNA position 433, C replaced by T.
Protein change: p.Arg145Cys; replaces arginine 145 with cysteine.
Molecular consequence: missense variant.
Genome position (GRCh38, 1-based): chr14:29,666,179, G>A on the plus strand (C>T on the coding strand, the complement: PRKD1 is on the minus strand). VCF-style: chr14-29666179-G-A. GRCh37 (hg19) VCF-style: chr14-30135385-G-A.
Other names: c.433C>T, p.Arg145Cys (NM_001330069.2); c.145C>T, p.Arg49Cys (NM_001348390.1); short protein forms R145C, R49C.
Identifiers: ClinVar variation 2443445 (VCV002443445.2), dbSNP rs1882495281, ClinGen allele CA389477601.
Genomic context (GRCh38, chr14:29,666,179, plus strand): 5'-CTCCACAGTGATCACAGAAAGCTGGAGCTCTGTATGAATGAACAAAGAGAGCGTGGGGAC[G>A]AATCTGAAAGTCTTCAAAGGTGGCGGAAGCTGTAAAAATAGTGATGTTGAAAAGTAAGTT-3'
Protein context (NP_002733.2, residues 135-155): ASATFEDFQI[Arg145Cys]PHALFVHSYR